The following is an entry in ClinVar:

NM_152896.3(UHRF2):c.255A>G (p.Thr85=)

Gene: UHRF2 (ubiquitin like with PHD and ring finger domains 2; plus strand). Cytogenetic location: 9p24.1.
Variant type: single nucleotide variant.
Coding change: c.255A>G on transcript NM_152896.3 (MANE Select); coding-DNA position 255, A replaced by G.
Protein change: p.Thr85=; no amino-acid change (threonine 85 retained).
Molecular consequence: synonymous variant. On other transcripts: non-coding transcript variant (1).
Genome position (GRCh38, 1-based): chr9:6,421,013, A>G. VCF-style: chr9-6421013-A-G. GRCh37 (hg19) VCF-style: chr9-6421013-A-G.
Identifiers: ClinVar variation 2659060 (VCV002659060.24), dbSNP rs376606673, ClinGen allele CA4979295.
Genomic context (GRCh38, chr9:6,421,013, plus strand): 5'-GAATGATATAATTCAGCTGCTAGTTCGCCCAGACCCTGATCATCTTCCTGGCACATCTAC[A>G]CAGATTGAGGCTAAACCCTGTTCTAATAGTCCACCTAAAGTAAAGAAAGCTCCGAGGGTA-3'
Protein context (NP_690856.1, residues 75-95): PDPDHLPGTS[Thr85=]QIEAKPCSNS

ClinVar aggregate classification (germline): Likely benign (1 of 4 stars; one submission).

Allele frequency attached by ClinVar (database versions not stated): gnomAD 0.00007; ESP Exome Variant Server 0.00008; ExAC 0.00007; TOPMed 0.00008; gnomAD exomes 0.00010.
gnomAD v4.1: 162 of 1,614,038 alleles (0.01%); highest among the groups gnomAD compares: Non-Finnish European, 0.012%; no homozygotes.

Submission:

CeGaT Center for Human Genetics Tuebingen
Classification: Likely benign. Last evaluated: 2023-02-01. Review status: criteria provided, single submitter. Criteria: CeGaT Center For Human Genetics Tuebingen Variant Classification Criteria Version 2. Collection method: clinical testing. Allele origin: germline. Affected: yes. Observed: 1 variant allele.
Comment: UHRF2: BP4, BP7